The following is an entry in ClinVar:

ClinVar aggregate classification (germline): Benign/Likely benign. Review status: criteria provided, multiple submitters, no conflicts (2 of 4 stars). 2 submissions from 2 submitters: Benign (1); Likely benign (1). Last evaluated 2025-06-17.

Conditions:
Collagen 6-related myopathy. Identifiers: MedGen CN117976, MONDO:0100225.
Bethlem myopathy 1A. Also called: Bethlem Muscular Dystrophy; MYOPATHY, BENIGN CONGENITAL, WITH CONTRACTURES; Bethlem myopathy 1. Identifiers: Orphanet 610, MedGen CN029274, MONDO:0024530, OMIM 158810.

Allele frequency attached by ClinVar (database versions not stated): gnomAD exomes 0.00002 and 0.00004; ExAC 0.00003; gnomAD 0.00003 and 0.00004; TOPMed 0.00005; ESP Exome Variant Server 0.00008.
gnomAD v4.1: 60 of 1,613,384 alleles (0.0037%); highest among the groups gnomAD compares: East Asian, 0.0045%; 1 homozygote.

Submissions (2):

Labcorp Genetics (formerly Invitae), Labcorp
Classification: Likely benign for Bethlem myopathy 1A. Last evaluated: 2025-06-17. Review status: criteria provided, single submitter. Criteria: Invitae Variant Classification Sherloc (09022015). Collection method: clinical testing. Allele origin: germline.

Illumina Laboratory Services, Illumina
Classification: Benign for Collagen VI-related myopathy. Last evaluated: 2018-01-12. Review status: criteria provided, single submitter. Criteria: ICSL Variant Classification Criteria 13 December 2019. Collection method: clinical testing. Allele origin: germline.
Comment: This variant was observed in the ICSL laboratory as part of a predisposition screen in an ostensibly healthy population. It had not been previously curated by ICSL or reported in the Human Gene Mutation Database (HGMD: prior to June 1st, 2018), and was therefore a candidate for classification through an automated scoring system. Utilizing variant allele frequency, disease prevalence and penetrance estimates, and inheritance mode, an automated score was calculated to assess if this variant is too frequent to cause the disease. Based on the score and internal cut-off values, a variant classified as benign is not then subjected to further curation. The score for this variant resulted in a classification of benign for this disease.

NM_004369.4(COL6A3):c.6879+15C>T

Gene: COL6A3 (collagen type VI alpha 3 chain; minus strand). Cytogenetic location: 2q37.3.
Variant type: single nucleotide variant.
Coding change: c.6879+15C>T on transcript NM_004369.4 (MANE Select); 15 bases into the intron after coding-DNA position 6879, C replaced by T.
Molecular consequence: intron variant.
Genome position (GRCh38, 1-based): chr2:237,350,132, G>A on the plus strand (C>T on the coding strand, the complement: COL6A3 is on the minus strand). VCF-style: chr2-237350132-G-A. GRCh37 (hg19) VCF-style: chr2-238258775-G-A.
Other names: c.5058+15C>T (NM_057166.5); c.6261+15C>T (NM_057167.4).
Identifiers: ClinVar variation 335110 (VCV000335110.8), dbSNP rs368631950, ClinGen allele CA2188052.
Genomic context (GRCh38, chr2:237,350,132, plus strand): 5'-AACCCTCTCCTGGCTTCCTGCACCTTCCAGCAAAGAGTCAGCGACAGCCTGACCCCAAGC[G>A]CGCTGTGACCTTACCGTCTCCCCACGAGGGCCCCGGTTCCCGATTCCTCCTTTTGGTCCT-3'